The following is an entry in ClinVar:

NM_001844.5(COL2A1):c.2302-3C>T

Gene: COL2A1 (collagen type II alpha 1 chain; minus strand). Cytogenetic location: 12q13.11.
Variant type: single nucleotide variant.
Coding change: c.2302-3C>T on transcript NM_001844.5 (MANE Select); 3 bases into the intron before coding-DNA position 2302, C replaced by T.
Molecular consequence: intron variant.
Genome position (GRCh38, 1-based): chr12:47,982,163, G>A on the plus strand (C>T on the coding strand, the complement: COL2A1 is on the minus strand). VCF-style: chr12-47982163-G-A. GRCh37 (hg19) VCF-style: chr12-48375946-G-A.
Other names: c.2095-3C>T (NM_033150.3).
Identifiers: ClinVar variation 1206264 (VCV001206264.9), dbSNP rs895256869, ClinGen allele CA236524267.

ClinVar aggregate classification (germline): Conflicting classifications of pathogenicity. Review status: criteria provided, conflicting classifications (1 of 4 stars). 4 submissions from 4 submitters: Uncertain significance (1); Likely benign (1). 2 of the submissions do not count toward it. Last evaluated 2025-11-17.

Allele frequency attached by ClinVar (database versions not stated): gnomAD exomes 0.00002 and 0.00008; gnomAD 0.00003; TOPMed 0.00003.
gnomAD v4.1: 122 of 1,613,580 alleles (0.0076%); highest among the groups gnomAD compares: Non-Finnish European, 0.0099%; no homozygotes.

Submissions (4):

Labcorp Genetics (formerly Invitae), Labcorp
Classification: Uncertain significance. Last evaluated: 2025-11-17. Review status: criteria provided, single submitter. Criteria: Invitae Variant Classification Sherloc (09022015). Collection method: clinical testing. Allele origin: germline.
Comment: This sequence change falls in intron 34 of the COL2A1 gene. It does not directly change the encoded amino acid sequence of the COL2A1 protein. It affects a nucleotide within the consensus splice site. This variant is present in population databases (no rsID available, gnomAD 0.005%). This variant has not been reported in the literature in individuals affected with COL2A1-related conditions. ClinVar contains an entry for this variant (Variation ID: 1206264). Variants that disrupt the consensus splice site are a relatively common cause of aberrant splicing (PMID: 17576681, 9536098). Algorithms developed to predict the effect of sequence changes on RNA splicing suggest that this variant is not likely to affect RNA splicing. In summary, the available evidence is currently insufficient to determine the role of this variant in disease. Therefore, it has been classified as a Variant of Uncertain Significance.

Blueprint Genetics
Classification: Likely benign. Last evaluated: 2024-11-25. Review status: criteria provided, single submitter. Criteria: ACMG Guidelines, 2015. Collection method: clinical testing. Allele origin: germline.

Clinical Genetics DNA and cytogenetics Diagnostics Lab, Erasmus MC, Erasmus Medical Center
Classification: Likely benign. Review status: no assertion criteria provided. Collection method: clinical testing. Allele origin: germline. Affected: yes. Study: VKGL Data-share Consensus. Not counted in ClinVar's aggregate classification.

Laboratory of Diagnostic Genome Analysis, Leiden University Medical Center (LUMC)
Classification: Likely benign. Review status: no assertion criteria provided. Collection method: clinical testing. Allele origin: germline. Affected: yes. Study: VKGL Data-share Consensus. Not counted in ClinVar's aggregate classification.

Literature cited by the submitters: PubMed 17576681 (cited by Labcorp Genetics (formerly Invitae), Labcorp); PubMed 9536098 (cited by Labcorp Genetics (formerly Invitae), Labcorp).